The following is an entry in ClinVar:

NM_021930.6(RINT1):c.1403C>T (p.Thr468Ile)

Gene: RINT1 (RAD50 interactor 1; plus strand). Cytogenetic location: 7q22.3.
Variant type: single nucleotide variant.
Coding change: c.1403C>T on transcript NM_021930.6 (MANE Select); coding-DNA position 1403, C replaced by T.
Protein change: p.Thr468Ile; replaces threonine 468 with isoleucine.
Molecular consequence: missense variant. On other transcripts: non-coding transcript variant (1).
Genome position (GRCh38, 1-based): chr7:105,551,639, C>T. VCF-style: chr7-105551639-C-T. GRCh37 (hg19) VCF-style: chr7-105192086-C-T.
Other names: c.1169C>T, p.Thr390Ile (NM_001346599.2); c.380C>T, p.Thr127Ile (NM_001346600.2, NM_001346603.2); c.479C>T, p.Thr160Ile (NM_001346601.2); short protein forms T160I, T468I, T127I, T390I.
Identifiers: ClinVar variation 1771857 (VCV001771857.2), dbSNP rs2133407556, ClinGen allele CA368810141.

ClinVar aggregate classification (germline): Uncertain significance (1 of 4 stars; one submission).

Allele frequency attached by ClinVar (database versions not stated): gnomAD exomes below 0.00001.

Submission:

Ambry Genetics
Classification: Uncertain significance. Last evaluated: 2020-08-21. Review status: criteria provided, single submitter. Criteria: Ambry Variant Classification Scheme 2023. Collection method: clinical testing. Allele origin: germline.
Comment: The p.T468I variant (also known as c.1403C>T), located in coding exon 10 of the RINT1 gene, results from a C to T substitution at nucleotide position 1403. The threonine at codon 468 is replaced by isoleucine, an amino acid with similar properties. This amino acid position is poorly conserved in available vertebrate species. In addition, this alteration is predicted to be tolerated by in silico analysis. Since supporting evidence is limited at this time, the clinical significance of this alteration remains unclear.